The following is an entry in ClinVar:

NM_024334.3(TMEM43):c.346C>T (p.Arg116Trp)

Gene: TMEM43 (transmembrane protein 43; plus strand). Cytogenetic location: 3p25.1.
Variant type: single nucleotide variant.
Coding change: c.346C>T on transcript NM_024334.3 (MANE Select); coding-DNA position 346, C replaced by T.
Protein change: p.Arg116Trp; replaces arginine 116 with tryptophan.
Molecular consequence: missense variant.
Genome position (GRCh38, 1-based): chr3:14,131,628, C>T. VCF-style: chr3-14131628-C-T. GRCh37 (hg19) VCF-style: chr3-14173128-C-T.
Other names: short protein forms R116W.
Identifiers: ClinVar variation 1024402 (VCV001024402.14), dbSNP rs752588115, ClinGen allele CA052990.

ClinVar aggregate classification (germline): Conflicting classifications of pathogenicity. Review status: criteria provided, conflicting classifications (1 of 4 stars). 5 submissions from 5 submitters: Uncertain significance (4); Likely benign (1). Last evaluated 2024-05-24.

Conditions:
Cardiovascular phenotype. Identifiers: MedGen CN230736.
Arrhythmogenic right ventricular dysplasia 5. Also called: Arrhythmogenic Right Ventricular Dysplasia/Cardiomyopathy 5; ARRHYTHMOGENIC RIGHT VENTRICULAR DYSPLASIA, FAMILIAL, 5. Identifiers: MedGen C1858379, MONDO:0011459, OMIM 604400.
Cardiomyopathy (CMYO). Also called: Cardiomyopathies. Identifiers: Orphanet 167848, MedGen C0878544, MONDO:0004994, HP:0001638. Inheritance: Various modes of inheritance.

Allele frequency attached by ClinVar (database versions not stated): gnomAD 0.00001; TOPMed 0.00001; ExAC 0.00002; gnomAD exomes 0.00002.
gnomAD v4.1: 14 of 1,614,024 alleles (0.00087%); highest among the groups gnomAD compares: East Asian, 0.0067%; no homozygotes.

Submissions (5):

All of Us Research Program, National Institutes of Health
Classification: Uncertain significance for Arrhythmogenic right ventricular dysplasia 5. Last evaluated: 2024-05-24. Review status: criteria provided, single submitter. Criteria: ACMG Guidelines, 2015. Collection method: clinical testing. Allele origin: germline. Inheritance: Autosomal dominant inheritance. Observed: 2 variant alleles, 2 heterozygotes.
Comment: This missense variant replaces arginine with tryptophan at codon 116 of the TMEM43 protein. Computational prediction suggests that this variant may not impact protein structure and function (internally defined REVEL score threshold <= 0.5, PMID: 27666373). To our knowledge, functional studies have not been reported for this variant. This variant has not been reported in individuals affected with cardiovascular disorders in the literature. This variant has been identified in 6/251282 chromosomes in the general population by the Genome Aggregation Database (gnomAD). The available evidence is insufficient to determine the role of this variant in disease conclusively. Therefore, this variant is classified as a Variant of Uncertain Significance.

This study involves interpretation of variants in research participants for the purpose of population health screening. Participant phenotype was not available at the time of variant classification. Additional details can be found in publication PMID: 35346344, PMCID: PMC8962531

Labcorp Genetics (formerly Invitae), Labcorp
Classification: Uncertain significance for Arrhythmogenic right ventricular dysplasia 5. Last evaluated: 2024-05-15. Review status: criteria provided, single submitter. Criteria: Invitae Variant Classification Sherloc (09022015). Collection method: clinical testing. Allele origin: germline.
Comment: This sequence change replaces arginine, which is basic and polar, with tryptophan, which is neutral and slightly polar, at codon 116 of the TMEM43 protein (p.Arg116Trp). This variant is present in population databases (rs752588115, gnomAD 0.02%). This variant has not been reported in the literature in individuals affected with TMEM43-related conditions. ClinVar contains an entry for this variant (Variation ID: 1024402). Advanced modeling of protein sequence and biophysical properties (such as structural, functional, and spatial information, amino acid conservation, physicochemical variation, residue mobility, and thermodynamic stability) performed at Invitae indicates that this missense variant is not expected to disrupt TMEM43 protein function with a negative predictive value of 80%. In summary, the available evidence is currently insufficient to determine the role of this variant in disease. Therefore, it has been classified as a Variant of Uncertain Significance.

Color Diagnostics, LLC DBA Color Health
Classification: Uncertain significance for Cardiomyopathy. Last evaluated: 2024-04-16. Review status: criteria provided, single submitter. Criteria: ACMG Guidelines, 2015. Collection method: clinical testing. Allele origin: germline.
Comment: This missense variant replaces arginine with tryptophan at codon 116 of the TMEM43 protein. Computational prediction suggests that this variant may not impact protein structure and function. To our knowledge, functional studies have not been reported for this variant. This variant has not been reported in individuals affected with cardiovascular disorders in the literature. This variant has been identified in 6/251282 chromosomes in the general population by the Genome Aggregation Database (gnomAD). The available evidence is insufficient to determine the role of this variant in disease conclusively. Therefore, this variant is classified as a Variant of Uncertain Significance.

Ambry Genetics
Classification: Likely benign for Cardiovascular phenotype. Last evaluated: 2023-10-17. Review status: criteria provided, single submitter. Criteria: Ambry Variant Classification Scheme 2023. Collection method: clinical testing. Allele origin: germline.

Victorian Clinical Genetics Services, Murdoch Childrens Research Institute
Classification: Uncertain significance for Arrhythmogenic right ventricular dysplasia 5. Last evaluated: 2022-02-02. Review status: criteria provided, single submitter. Criteria: ACMG Guidelines, 2015. Collection method: clinical testing. Allele origin: germline. Inheritance: Autosomal dominant inheritance. Affected: yes.
Comment: Based on the classification scheme VCGS_Germline_v1.3.4, this variant is classified as VUS-3C. Following criteria are met: 0105 - The mechanism of disease for this gene is not clearly established. Loss-of-function is a suspected mechanism (PMID: 25343256). (I) 0107 - This gene is associated with autosomal dominant disease. (I) 0200 - Variant is predicted to result in a missense amino acid change from arginine to tryptophan. (I) 0251 - This variant is heterozygous. (I) 0302 - Variant is present in gnomAD (v2) <0.001 for a dominant condition (6 heterozygotes, 0 homozygotes). (SP) 0309 - An alternative amino acid change at the same position has been observed in gnomAD (v3) (30 heterozygotes, 0 homozygotes). (I) 0502 - Missense variant with conflicting in silico predictions and uninformative conservation. (I) 0604 - Variant is not located in an established domain, motif, hotspot or informative constraint region. (I) 0709 - Another missense variants comparable to the one identified in this case has supporting previous evidence for being benign. This alternative change (p.(Arg116Gln)) has been reported as a VUS (PMID: 30615648), but more commonly as likely benign and benign (ClinVar). (SB) 0809 - Previous evidence of pathogenicity for this variant is inconclusive. This variant has been reported twice as a VUS (ClinVar). (I) 0905 - No published segregation evidence has been identified for this variant. (I) 1007 - No published functional evidence has been identified for this variant. (I) 1208 - Inheritance information for this variant is not currently available in this individual. (I) Legend: (SP) - Supporting pathogenic, (I) - Information, (SB) - Supporting benign

Literature cited by the submitters: PubMed 25343256 (cited by Victorian Clinical Genetics Services, Murdoch Childrens Research Institute); PubMed 30615648 (cited by Victorian Clinical Genetics Services, Murdoch Childrens Research Institute).